The following is an entry in ClinVar:

NM_032380.5(GFM2):c.350G>A (p.Arg117Gln)

Gene: GFM2 (GTP dependent ribosome recycling factor mitochondrial 2; minus strand). Cytogenetic location: 5q13.3.
Variant type: single nucleotide variant.
Coding change: c.350G>A on transcript NM_032380.5 (MANE Select); coding-DNA position 350, G replaced by A.
Protein change: p.Arg117Gln; replaces arginine 117 with glutamine.
Molecular consequence: missense variant. On other transcripts: non-coding transcript variant (1).
Genome position (GRCh38, 1-based): chr5:74,751,448, C>T on the plus strand (G>A on the coding strand, the complement: GFM2 is on the minus strand). VCF-style: chr5-74751448-C-T. GRCh37 (hg19) VCF-style: chr5-74047273-C-T.
Other names: c.446G>A, p.Arg149Gln (NM_001281302.2); c.350G>A, p.Arg117Gln (NM_170681.3, NM_170691.3); c.350G>A (NM_032380.4); short protein forms R149Q, R117Q.
Identifiers: ClinVar variation 2228503 (VCV002228503.5), dbSNP rs760564693, ClinGen allele CA3306832.

ClinVar aggregate classification (germline): Uncertain significance. Review status: criteria provided, multiple submitters, no conflicts (2 of 4 stars). 3 submissions from 3 submitters: Uncertain significance (3). Last evaluated 2025-08-31.

Conditions:
GFM2-related disorder. Also called: GFM2-related condition.
Inborn genetic diseases. Identifiers: MedGen C0950123, MeSH D030342.

Allele frequency attached by ClinVar (database versions not stated): gnomAD 0.00001; gnomAD exomes 0.00001; ExAC 0.00002; TOPMed 0.00002.
gnomAD v4.1: 12 of 1,609,808 alleles (0.00075%); highest among the groups gnomAD compares: Admixed American, 0.0083%; no homozygotes.

Submissions (3):

PreventionGenetics, part of Exact Sciences
Classification: Uncertain significance for GFM2-related condition. Last evaluated: 2025-08-31. Review status: criteria provided, single submitter. Criteria: ACMG Guidelines, 2015. Collection method: clinical testing. Allele origin: germline.
Comment: The GFM2 c.350G>A variant is predicted to result in the amino acid substitution p.Arg117Gln. To our knowledge, this variant has not been reported in the literature. This variant is reported in 0.011% of alleles in individuals of Latino descent in gnomAD. At this time, the clinical significance of this variant is uncertain due to the absence of conclusive functional and genetic evidence.

Labcorp Genetics (formerly Invitae), Labcorp
Classification: Uncertain significance. Last evaluated: 2024-05-07. Review status: criteria provided, single submitter. Criteria: Invitae Variant Classification Sherloc (09022015). Collection method: clinical testing. Allele origin: germline.
Comment: This sequence change replaces arginine, which is basic and polar, with glutamine, which is neutral and polar, at codon 117 of the GFM2 protein (p.Arg117Gln). The frequency data for this variant in the population databases is considered unreliable, as metrics indicate poor data quality at this position in the gnomAD database. This variant has not been reported in the literature in individuals affected with GFM2-related conditions. ClinVar contains an entry for this variant (Variation ID: 2228503). Advanced modeling of protein sequence and biophysical properties (such as structural, functional, and spatial information, amino acid conservation, physicochemical variation, residue mobility, and thermodynamic stability) performed at Invitae indicates that this missense variant is not expected to disrupt GFM2 protein function with a negative predictive value of 80%. In summary, the available evidence is currently insufficient to determine the role of this variant in disease. Therefore, it has been classified as a Variant of Uncertain Significance.

Ambry Genetics
Classification: Uncertain significance for Inborn genetic diseases. Last evaluated: 2020-12-28. Review status: criteria provided, single submitter. Criteria: Ambry Variant Classification Scheme 2023. Collection method: clinical testing. Allele origin: germline.
Comment: The c.350G>A (p.R117Q) alteration is located in exon 6 (coding exon 5) of the GFM2 gene. This alteration results from a G to A substitution at nucleotide position 350, causing the arginine (R) at amino acid position 117 to be replaced by a glutamine (Q). The in silico prediction for the p.R117Q alteration is inconclusive. Based on insufficient or conflicting evidence, the clinical significance of this alteration remains unclear.